The following is an entry in ClinVar:

NM_001130987.2(DYSF):c.5981G>A (p.Trp1994Ter)

Gene: DYSF (dysferlin; plus strand). Cytogenetic location: 2p13.2.
Variant type: single nucleotide variant.
Coding change: c.5981G>A on transcript NM_001130987.2 (MANE Select); coding-DNA position 5981, G replaced by A.
Protein change: p.Trp1994Ter; replaces tryptophan 1994 with a stop codon.
Molecular consequence: nonsense.
Genome position (GRCh38, 1-based): chr2:71,679,153, G>A. VCF-style: chr2-71679153-G-A. GRCh37 (hg19) VCF-style: chr2-71906283-G-A.
Other names: c.5867G>A, p.Trp1956Ter (NM_001130455.2); c.5822G>A, p.Trp1941Ter (NM_001130976.2); c.5885G>A, p.Trp1962Ter (NM_001130977.2); c.5927G>A, p.Trp1976Ter (NM_001130978.2); c.5957G>A, p.Trp1986Ter (NM_001130979.2); c.5915G>A, p.Trp1972Ter (NM_001130980.2); c.5978G>A, p.Trp1993Ter (NM_001130981.2); c.5960G>A, p.Trp1987Ter (NM_001130982.2); and 6 more; short protein forms W1941*, W1942*, W1955*, W1956*, W1962*, W1963*, W1972*, W1973*.
Identifiers: ClinVar variation 3241371 (VCV003241371.2), dbSNP rs892133012.
Genomic context (GRCh38, chr2:71,679,153, plus strand): 5'-CAGCCAAGACAGCCAAGAAGTGCTCCTTGGACCAGCTGGATGATGCTTTCCACCCAGAAT[G>A]GTTTGTGTCCCTTTTTGAGCAGAAAACAGTGAAGGGCTGGTGGCCCTGTGTAGCAGAAGA-3'

ClinVar aggregate classification (germline): Pathogenic. Review status: criteria provided, single submitter (1 of 4 stars). 2 submissions from 2 submitters: Pathogenic (1). 1 of the submissions does not count toward it. Last evaluated 2024-03-23.

Conditions:
DYSF-related disorder. Also called: DYSF-related disorders; DYSF-related condition.
Miyoshi muscular dystrophy 1 (MMD1). Identifiers: Orphanet 45448, MedGen C4551973, MONDO:0024545, OMIM 254130.

Allele frequency attached by ClinVar (database versions not stated): TOPMed below 0.00001.

Submissions (2):

Baylor Genetics
Classification: Pathogenic for Miyoshi muscular dystrophy 1. Last evaluated: 2024-03-23. Review status: criteria provided, single submitter. Criteria: ACMG Guidelines, 2015. Collection method: clinical testing. Allele origin: unknown.

PreventionGenetics, part of Exact Sciences
Classification: Pathogenic for DYSF-related condition. Last evaluated: 2024-09-23. Review status: no assertion criteria provided. Collection method: clinical testing. Allele origin: germline. Not counted in ClinVar's aggregate classification.
Comment: The DYSF c.5864G>A variant is predicted to result in premature protein termination (p.Trp1955*). This variant has not been reported in the literature or in a large population database, indicating this variant is rare. However, a different variant leading to the same premature stop codon has been reported in a patient with DYSF-related muscular dystrophy (described as c.5928G>A, p.Trp1976*, Petersen et al. 2015. PubMed: 26444858). Nonsense variants in DYSF are expected to be pathogenic. This variant is interpreted as pathogenic.